The following is an entry in ClinVar:

ClinVar aggregate classification (germline): Uncertain significance (1 of 4 stars; one submission).

Conditions:
Arrhythmogenic right ventricular dysplasia 11. Also called: Arrhythmogenic Right Ventricular Dysplasia/Cardiomyopathy11; ARRHYTHMOGENIC RIGHT VENTRICULAR DYSPLASIA, FAMILIAL, 11; Arrhythmogenic right ventricular dysplasia 11 with mild palmoplantar keratoderma and woolly hair. Identifiers: MedGen C1864850, MONDO:0012506, OMIM 610476.

Allele frequency attached by ClinVar (database versions not stated): gnomAD exomes below 0.00001.
gnomAD v4.1: 1 of 1,531,934 alleles (0.000065%); highest among the groups gnomAD compares: Non-Finnish European, 0.000087%; no homozygotes.

Submission:

Labcorp Genetics (formerly Invitae), Labcorp
Classification: Uncertain significance for Arrhythmogenic right ventricular dysplasia 11. Last evaluated: 2022-03-24. Review status: criteria provided, single submitter. Criteria: Invitae Variant Classification Sherloc (09022015). Collection method: clinical testing. Allele origin: germline.
Comment: In summary, the available evidence is currently insufficient to determine the role of this variant in disease. Therefore, it has been classified as a Variant of Uncertain Significance. Variants that disrupt the consensus splice site are a relatively common cause of aberrant splicing (PMID: 17576681, 9536098). Algorithms developed to predict the effect of sequence changes on RNA splicing suggest that this variant may disrupt the consensus splice site. This variant has not been reported in the literature in individuals affected with DSC2-related conditions. The frequency data for this variant in the population databases is considered unreliable, as metrics indicate poor data quality at this position in the gnomAD database. This sequence change falls in intron 1 of the DSC2 gene. It does not directly change the encoded amino acid sequence of the DSC2 protein. It affects a nucleotide within the consensus splice site.

Literature cited by the submitters: PubMed 17576681; PubMed 9536098.

NM_024422.6(DSC2):c.69+5G>A

Genes: DSC2 (desmocollin 2; minus strand), DSCAS (DSC1/DSC2 antisense RNA; plus strand). Cytogenetic location: 18q12.1.
Variant type: single nucleotide variant.
Coding change: c.69+5G>A on transcript NM_024422.6 (MANE Select); 5 bases into the intron after coding-DNA position 69, G replaced by A.
Molecular consequence: intron variant.
Genome position (GRCh38, 1-based): chr18:31,101,898, C>T on the plus strand (G>A on the coding strand, the complement: DSC2 is on the minus strand). VCF-style: chr18-31101898-C-T. GRCh37 (hg19) VCF-style: chr18-28681861-C-T.
Other names: c.69+5G>A (NM_004949.5).
Identifiers: ClinVar variation 1951951 (VCV001951951.5), dbSNP rs1196664685, ClinGen allele CA629137538.